The following is an entry in ClinVar:

NC_000001.11:g.17054033G>A

Gene: SDHB (succinate dehydrogenase complex iron sulfur subunit B; minus strand). Cytogenetic location: 1p36.13.
Variant type: single nucleotide variant.
Genome position: GRCh38 VCF-style: chr1-17054033-G-A. GRCh37 (hg19) VCF-style: chr1-17380528-G-A.
Other names: c.-14C>T (NM_003000.3).
Identifiers: ClinVar variation 3385990 (VCV003385990.2).

ClinVar aggregate classification (germline): Conflicting classifications of pathogenicity. Review status: criteria provided, conflicting classifications (1 of 4 stars). 2 submissions from 2 submitters: Uncertain significance (1); Likely benign (1). Last evaluated 2025-12-29.

Conditions:
Hereditary pheochromocytoma and paraganglioma. Also called: Hereditary Paraganglioma-Pheochromocytoma Syndromes; Hereditary pheochromocytoma-paraganglioma; Hereditary paragangliomas and pheochromocytomas. Identifiers: Orphanet 29072, MedGen C4274332, MONDO:0017366.

Submissions (2):

Center for Genomic Medicine, Rigshospitalet, Copenhagen University Hospital
Classification: Likely benign. Last evaluated: 2025-12-29. Review status: criteria provided, single submitter. Criteria: ACMG Guidelines, 2015. Collection method: clinical testing. Allele origin: germline.

All of Us Research Program, National Institutes of Health
Classification: Uncertain significance for Hereditary pheochromocytoma and paraganglioma. Last evaluated: 2024-07-29. Review status: criteria provided, single submitter. Criteria: ACMG Guidelines, 2015. Collection method: clinical testing. Allele origin: germline. Inheritance: Autosomal dominant inheritance. Observed: 1 variant allele, 1 heterozygote.
Comment: This variant causes a C to T nucleotide substitution at the -14 position in the 5' untranslated region of the SDHB gene. To our knowledge, functional studies have not been reported for this variant. This variant has not been reported in individuals affected with SDHB-related disorders in the literature. This variant has been identified in 2/237900 chromosomes in the general population by the Genome Aggregation Database (gnomAD). The available evidence is insufficient to determine the role of this variant in disease conclusively. Therefore, this variant is classified as a Variant of Uncertain Significance.

This study involves interpretation of variants in research participants for the purpose of population health screening. Participant phenotype was not available at the time of variant classification. Additional details can be found in publication PMID: 35346344, PMCID: PMC8962531